The following is an entry in ClinVar:

NM_000179.3(MSH6):c.1897del (p.Thr633fs)

Gene: MSH6 (mutS homolog 6; plus strand). Cytogenetic location: 2p16.3.
Variant type: Deletion.
Coding change: c.1897del on transcript NM_000179.3 (MANE Select); coding-DNA position 1897, one base deleted (A; older notation c.1897delA).
Protein change: p.Thr633fs; shifts the reading frame from threonine 633.
Molecular consequence: frameshift variant.
Genome position (GRCh38, 1-based): chr2:47,799,880, A deleted; the last of 4 consecutive A bases (chr2:47,799,877-47,799,880); deleting any one gives the same sequence. VCF-style (leftmost placement, unchanged base first): chr2-47799876-CA-C. GRCh37 (hg19) VCF-style: chr2-48027015-CA-C.
Other names: c.1507del, p.Thr503fs (NM_001281492.2); c.991del, p.Thr331fs (NM_001281493.2, NM_001281494.2); c.1993delA, p.Thr665Leufs (NM_001406795.1, NM_001406802.1); c.1897delA, p.Thr633Leufs (NM_001406796.1, NM_001406798.1, NM_001406800.1 and 3 more transcripts); c.1600delA, p.Thr534Leufs (NM_001406797.1, NM_001406801.1, NM_001406805.1 and 10 more transcripts); c.1372delA, p.Thr458Leufs (NM_001406799.1, NM_001406806.1, NM_001406807.1); c.1819delA, p.Thr607Leufs (NM_001406804.1); c.991delA, p.Thr331Leufs (NM_001406811.1, NM_001406812.1, NM_001406814.1 and 4 more transcripts); and 2 more; short protein forms T503fs, T331fs, T633fs.
Identifiers: ClinVar variation 1782183 (VCV001782183.2), dbSNP rs869284162, ClinGen allele CA46709832.

ClinVar aggregate classification (germline): Pathogenic (1 of 4 stars; one submission).

Conditions:
Hereditary cancer-predisposing syndrome. Also called: Neoplastic Syndromes, Hereditary; Tumor predisposition; Hereditary Cancer Syndrome; Hereditary neoplastic syndrome. Identifiers: Orphanet 140162, MedGen C0027672, MeSH D009386, MONDO:0015356.

Submission:

Ambry Genetics
Classification: Pathogenic for Hereditary cancer-predisposing syndrome. Last evaluated: 2020-07-30. Review status: criteria provided, single submitter. Criteria: Ambry Variant Classification Scheme 2023. Collection method: clinical testing. Allele origin: germline.
Comment: The c.1897delA pathogenic mutation, located in coding exon 4 of the MSH6 gene, results from a deletion of one nucleotide at nucleotide position 1897, causing a translational frameshift with a predicted alternate stop codon (p.T633Lfs*2). This alteration is expected to result in loss of function by premature protein truncation or nonsense-mediated mRNA decay. As such, this alteration is interpreted as a disease-causing mutation.